The following is an entry in ClinVar:

NM_012079.6(DGAT1):c.921dup (p.Met308fs)

Gene: DGAT1 (diacylglycerol O-acyltransferase 1; minus strand). Cytogenetic location: 8q24.3.
Variant type: Duplication.
Coding change: c.921dup on transcript NM_012079.6 (MANE Select); coding-DNA position 921, one base duplicated (C; older notation c.921dupC).
Protein change: p.Met308fs; shifts the reading frame from methionine 308.
Molecular consequence: frameshift variant.
Genome position (GRCh38, 1-based): chr8:144,317,686, G duplicated on the plus strand (C on the coding strand, the reverse complement: DGAT1 is on the minus strand); the first of 2 consecutive G bases (chr8:144,317,686-144,317,687); duplicating either gives the same sequence. VCF-style (leftmost placement, unchanged base first): chr8-144317685-T-TG. GRCh37 (hg19) VCF-style: chr8-145541348-T-TG.
Other names: short protein forms M308fs.
Identifiers: ClinVar variation 2761446 (VCV002761446.3), dbSNP rs2488951174, ClinGen allele CA2697550197.

ClinVar aggregate classification (germline): Pathogenic (1 of 4 stars; one submission).

Submission:

Labcorp Genetics (formerly Invitae), Labcorp
Classification: Pathogenic. Last evaluated: 2023-09-18. Review status: criteria provided, single submitter. Criteria: Invitae Variant Classification Sherloc (09022015). Collection method: clinical testing. Allele origin: germline.
Comment: This sequence change creates a premature translational stop signal (p.Met308Hisfs*44) in the DGAT1 gene. It is expected to result in an absent or disrupted protein product. Loss-of-function variants in DGAT1 are known to be pathogenic (PMID: 29604290). For these reasons, this variant has been classified as Pathogenic. This variant has not been reported in the literature in individuals affected with DGAT1-related conditions. This variant is not present in population databases (gnomAD no frequency).

Literature cited by the submitters: PubMed 29604290.